The following is an entry in ClinVar:

ClinVar aggregate classification (germline): Likely benign (1 of 4 stars; one submission).

Conditions:
MGAM-related disorder. Also called: MGAM-related condition.

Submission:

PreventionGenetics, part of Exact Sciences
Classification: Likely benign for MGAM-related condition. Last evaluated: 2024-11-07. Review status: criteria provided, single submitter. Criteria: ACMG Guidelines, 2015. Collection method: clinical testing. Allele origin: germline.
Comment: This variant is classified as likely benign based on ACMG/AMP sequence variant interpretation guidelines (Richards et al. 2015 PMID: 25741868, with internal and published modifications).

NM_001365693.1(MGAM):c.6521C>T (p.Ser2174Leu)

Gene: MGAM (maltase-glucoamylase; plus strand). Cytogenetic location: 7q34.
Variant type: single nucleotide variant.
Coding change: c.6521C>T on transcript NM_001365693.1 (MANE Select); coding-DNA position 6521, C replaced by T.
Protein change: p.Ser2174Leu; replaces serine 2174 with leucine.
Molecular consequence: missense variant. On other transcripts: intron variant (1).
Genome position (GRCh38, 1-based): chr7:142,085,846, C>T. VCF-style: chr7-142085846-C-T. GRCh37 (hg19) VCF-style: chr7-141785646-C-T.
Other names: c.4619-8774C>T (NM_004668.3); short protein forms S2174L.
Identifiers: ClinVar variation 4979724 (VCV004979724.1).
Genomic context (GRCh38, chr7:142,085,846, plus strand): 5'-TGGGCGTGTACAGCAGCAGCCTCTCAGCTCCCCATGTCCTCCCGCAGGACGTGCAGTACT[C>T]AGACATCGACTACATGGAGCGGCAGCTGGACTTCACCCTCAGCCCCAAGTTTGCCGGGTT-3'
Protein context (NP_001352622.1, residues 2164-2184): AAQIPYDVQY[Ser2174Leu]DIDYMERQLD